The following is an entry in ClinVar:

NM_000548.5(TSC2):c.3611-6C>T

Gene: TSC2 (TSC complex subunit 2; plus strand). Cytogenetic location: 16p13.3.
Variant type: single nucleotide variant.
Coding change: c.3611-6C>T on transcript NM_000548.5 (MANE Select); 6 bases into the intron before coding-DNA position 3611, C replaced by T.
Molecular consequence: intron variant.
Genome position (GRCh38, 1-based): chr16:2,081,589, C>T. VCF-style: chr16-2081589-C-T. GRCh37 (hg19) VCF-style: chr16-2131590-C-T.
Other names: c.3611-6C>T (NM_001114382.3); c.3482-6C>T (NM_021055.3, NM_001370405.1, NM_001363528.2); c.3479-6C>T (NM_001370404.1, NM_001077183.3); c.3371-6C>T (NM_001318827.2); c.2879-6C>T (NM_001318831.2); c.3335-6C>T (NM_001318829.2); c.3512-6C>T (NM_001318832.2).
Identifiers: ClinVar variation 468029 (VCV000468029.9), dbSNP rs989103352, ClinGen allele CA276749885.

ClinVar aggregate classification (germline): Likely benign. Review status: criteria provided, multiple submitters, no conflicts (2 of 4 stars). 3 submissions from 3 submitters: Likely benign (3). Last evaluated 2026-01-05.

Conditions:
Tuberous sclerosis 2 (TSC2). Identifiers: Orphanet 805, MedGen C1860707, MONDO:0013199, OMIM 613254.
Tuberous sclerosis syndrome (TSC). Also called: Tuberous Sclerosis Complex; Tuberous sclerosis. Identifiers: Orphanet 805, MedGen C0041341, MONDO:0001734.

Allele frequency attached by ClinVar (database versions not stated): gnomAD exomes below 0.00001.

Submissions (3):

Labcorp Genetics (formerly Invitae), Labcorp
Classification: Likely benign for Tuberous sclerosis 2. Last evaluated: 2026-01-05. Review status: criteria provided, single submitter. Criteria: Invitae Variant Classification Sherloc (09022015). Collection method: clinical testing. Allele origin: germline.

Myriad Genetics, Inc.
Classification: Likely benign for Tuberous sclerosis 2. Last evaluated: 2025-05-30. Review status: criteria provided, single submitter. Criteria: Myriad Autosomal Dominant, Autosomal Recessive and X-Linked Classification Criteria (2023). Collection method: clinical testing. Allele origin: unknown.
Comment: This variant is considered likely benign. This variant is intronic and is not expected to impact mRNA splicing.

Color Diagnostics, LLC DBA Color Health
Classification: Likely benign for Tuberous sclerosis syndrome. Last evaluated: 2023-10-25. Review status: criteria provided, single submitter. Criteria: ACMG Guidelines, 2015. Collection method: clinical testing. Allele origin: germline.